The following is an entry in ClinVar:

ClinVar aggregate classification (germline): Likely benign (1 of 4 stars; one submission).

Allele frequency attached by ClinVar (database versions not stated): TOPMed 0.00236; 1000 Genomes Project 30x 0.00250; 1000 Genomes Project 0.00280; ESP Exome Variant Server 0.00299; gnomAD exomes 0.00530; gnomAD 0.00652; ExAC 0.00906.
gnomAD v4.1: 8,200 of 1,533,206 alleles (0.53%); highest among the groups gnomAD compares: Non-Finnish European, 0.46%; 82 homozygotes.

Submission:

CeGaT Center for Human Genetics Tuebingen
Classification: Likely benign. Last evaluated: 2022-04-01. Review status: criteria provided, single submitter. Criteria: CeGaT Center For Human Genetics Tuebingen Variant Classification Criteria Version 2. Collection method: clinical testing. Allele origin: germline. Affected: yes. Observed: 1 variant allele.
Comment: ALDH16A1: BP4, BP7

NM_153329.4(ALDH16A1):c.1866G>A (p.Ala622=)

Gene: ALDH16A1 (aldehyde dehydrogenase 16 family member A1; plus strand). Cytogenetic location: 19q13.33.
Variant type: single nucleotide variant.
Coding change: c.1866G>A on transcript NM_153329.4 (MANE Select); coding-DNA position 1866, G replaced by A.
Protein change: p.Ala622=; no amino-acid change (alanine 622 retained).
Molecular consequence: synonymous variant.
Genome position (GRCh38, 1-based): chr19:49,466,211, G>A. VCF-style: chr19-49466211-G-A. GRCh37 (hg19) VCF-style: chr19-49969468-G-A.
Other names: c.1713G>A, p.Ala571= (NM_001145396.2).
Identifiers: ClinVar variation 2650246 (VCV002650246.24), dbSNP rs181566168, ClinGen allele CA9574605.